The following is an entry in ClinVar:

ClinVar aggregate classification (germline): Uncertain significance (1 of 4 stars; one submission).

Conditions:
Ehlers-Danlos syndrome, type 4 (EDSVASC). Also called: Ehlers-Danlos syndrome vascular type; Ehlers Danlos syndrome, ecchymotic type; Ehlers Danlos syndrome, arterial type; Ehlers Danlos syndrome, Sack-Barabas type; Ehlers-Danlos Syndrome Type IV. Identifiers: Orphanet 286, MedGen C0268338, MONDO:0017314, OMIM 130050.

gnomAD v4.1: 1 of 1,614,104 alleles (0.000062%); highest among the groups gnomAD compares: Admixed American, 0.0017%; no homozygotes.

Submission:

Labcorp Genetics (formerly Invitae), Labcorp
Classification: Uncertain significance for Ehlers-Danlos syndrome, type 4. Last evaluated: 2024-08-01. Review status: criteria provided, single submitter. Criteria: Invitae Variant Classification Sherloc (09022015). Collection method: clinical testing. Allele origin: germline.
Comment: This sequence change replaces serine, which is neutral and polar, with arginine, which is basic and polar, at codon 1406 of the COL3A1 protein (p.Ser1406Arg). This variant is present in population databases (no rsID available, gnomAD 0.003%). This variant has not been reported in the literature in individuals affected with COL3A1-related conditions. Advanced modeling of protein sequence and biophysical properties (such as structural, functional, and spatial information, amino acid conservation, physicochemical variation, residue mobility, and thermodynamic stability) performed at Invitae indicates that this missense variant is not expected to disrupt COL3A1 protein function with a negative predictive value of 95%. In summary, the available evidence is currently insufficient to determine the role of this variant in disease. Therefore, it has been classified as a Variant of Uncertain Significance.

NM_000090.4(COL3A1):c.4218C>G (p.Ser1406Arg)

Gene: COL3A1 (collagen type III alpha 1 chain; plus strand). Cytogenetic location: 2q32.2.
Variant type: single nucleotide variant.
Coding change: c.4218C>G on transcript NM_000090.4 (MANE Select); coding-DNA position 4218, C replaced by G.
Protein change: p.Ser1406Arg; replaces serine 1406 with arginine.
Molecular consequence: missense variant.
Genome position (GRCh38, 1-based): chr2:189,010,854, C>G. VCF-style: chr2-189010854-C-G. GRCh37 (hg19) VCF-style: chr2-189875580-C-G.
Other names: short protein forms S1406R.
Identifiers: ClinVar variation 3717311 (VCV003717311.2).